The following is an entry in ClinVar:

ClinVar aggregate classification (germline): Benign (1 of 4 stars; one submission).

Conditions:
Tumor predisposition syndrome 2 (TPDS2). Also called: MBD4-ASSOCIATED NEOPLASIA SYNDROME; MBD4-Related Tumor Predisposition Syndrome; MBD4-associated neoplasia syndrome (MANS). Identifiers: Orphanet 661526, MedGen C5774186, MONDO:0859267, OMIM 619975.

Submission:

Myriad Genetics, Inc.
Classification: Benign for Tumor predisposition syndrome 2. Last evaluated: 2026-06-11. Review status: criteria provided, single submitter. Criteria: Myriad Autosomal Dominant, Autosomal Recessive and X-Linked Classification Criteria (2023). Collection method: clinical testing. Allele origin: unknown.
Comment: This variant is considered benign. This variant is a silent/synonymous amino acid change and it is not expected to impact splicing.

NM_001276270.2(MBD4):c.1338T>G (p.Leu446=)

Gene: MBD4 (methyl-CpG binding domain 4, DNA glycosylase; minus strand). Cytogenetic location: 3q21.3.
Variant type: single nucleotide variant.
Coding change: c.1338T>G on transcript NM_001276270.2 (MANE Select); coding-DNA position 1338, T replaced by G.
Protein change: p.Leu446=; no amino-acid change (leucine 446 retained).
Molecular consequence: synonymous variant.
Genome position (GRCh38, 1-based): chr3:129,433,905, A>C on the plus strand (T>G on the coding strand, the complement: MBD4 is on the minus strand). VCF-style: chr3-129433905-A-C. GRCh37 (hg19) VCF-style: chr3-129152748-A-C.
Other names: c.1356T>G, p.Leu452= (NM_001276271.2, NM_001276272.2, NM_003925.3); c.402T>G, p.Leu134= (NM_001276273.2).
Identifiers: ClinVar variation 4875981 (VCV004875981.1).